The following is an entry in ClinVar:

NM_001458.5(FLNC):c.4184T>A (p.Met1395Lys)

Gene: FLNC (filamin C; plus strand). Cytogenetic location: 7q32.1.
Variant type: single nucleotide variant.
Coding change: c.4184T>A on transcript NM_001458.5 (MANE Select); coding-DNA position 4184, T replaced by A.
Protein change: p.Met1395Lys; replaces methionine 1395 with lysine.
Molecular consequence: missense variant.
Genome position (GRCh38, 1-based): chr7:128,846,801, T>A. VCF-style: chr7-128846801-T-A. GRCh37 (hg19) VCF-style: chr7-128486855-T-A.
Other names: c.4184T>A, p.Met1395Lys (NM_001127487.2); short protein forms M1395K.
Identifiers: ClinVar variation 658149 (VCV000658149.8), dbSNP rs1372801269, ClinGen allele CA369200545.

ClinVar aggregate classification (germline): Uncertain significance (1 of 4 stars; one submission).

Conditions:
Hypertrophic cardiomyopathy 26. Also called: Cardiomyopathy, familial hypertrophic, 26. Identifiers: Orphanet 75249, MedGen C4310749, MONDO:0014883, OMIM 617047.
Dilated Cardiomyopathy, Dominant.
Myofibrillar myopathy 5. Also called: Filaminopathy (type); FILAMINOPATHY, AUTOSOMAL DOMINANT. Identifiers: Orphanet 171445, MedGen C1836050, MONDO:0012289, OMIM 609524.
Distal myopathy with posterior leg and anterior hand involvement. Also called: WILLIAMS DISTAL MYOPATHY. Identifiers: Orphanet 63273, MedGen C3279722, MONDO:0013550, OMIM 614065.

Allele frequency attached by ClinVar (database versions not stated): TOPMed below 0.00001.

Submission:

Labcorp Genetics (formerly Invitae), Labcorp
Classification: Uncertain significance for Distal myopathy with posterior leg and anterior hand involvement; Myofibrillar myopathy 5; Hypertrophic cardiomyopathy 26. Last evaluated: 2024-04-11. Review status: criteria provided, single submitter. Criteria: Invitae Variant Classification Sherloc (09022015). Collection method: clinical testing. Allele origin: germline.
Comment: This sequence change replaces methionine, which is neutral and non-polar, with lysine, which is basic and polar, at codon 1395 of the FLNC protein (p.Met1395Lys). This variant is not present in population databases (gnomAD no frequency). This variant has not been reported in the literature in individuals affected with FLNC-related conditions. ClinVar contains an entry for this variant (Variation ID: 658149). Advanced modeling of protein sequence and biophysical properties (such as structural, functional, and spatial information, amino acid conservation, physicochemical variation, residue mobility, and thermodynamic stability) has been performed at Invitae for this missense variant, however the output from this modeling did not meet the statistical confidence thresholds required to predict the impact of this variant on FLNC protein function. In summary, the available evidence is currently insufficient to determine the role of this variant in disease. Therefore, it has been classified as a Variant of Uncertain Significance.